The following is an entry in ClinVar:

NM_152415.3(VPS37A):c.1081G>A (p.Asp361Asn)

Gene: VPS37A (VPS37A subunit of ESCRT-I; plus strand). Cytogenetic location: 8p22.
Variant type: single nucleotide variant.
Coding change: c.1081G>A on transcript NM_152415.3 (MANE Select); coding-DNA position 1081, G replaced by A.
Protein change: p.Asp361Asn; replaces aspartic acid 361 with asparagine.
Molecular consequence: missense variant.
Genome position (GRCh38, 1-based): chr8:17,284,584, G>A. VCF-style: chr8-17284584-G-A. GRCh37 (hg19) VCF-style: chr8-17142093-G-A.
Other names: c.1006G>A, p.Asp336Asn (NM_001145152.2); c.1063G>A, p.Asp355Asn (NM_001363167.1); c.811G>A, p.Asp271Asn (NM_001363168.1, NM_001363169.1); c.793G>A, p.Asp265Asn (NM_001363170.1, NM_001363171.1, NM_001363172.2); c.1081G>A, p.Asp361Asn (NM_001363173.2); short protein forms D336N, D265N, D361N, D271N, D355N.
Identifiers: ClinVar variation 3652580 (VCV003652580.2).

ClinVar aggregate classification (germline): Uncertain significance (1 of 4 stars; one submission).

Conditions:
Hereditary spastic paraplegia 53. Also called: Spastic paraplegia 53, autosomal recessive. Identifiers: Orphanet 319199, MedGen C3539494, MONDO:0013962, OMIM 614898.

gnomAD v4.1: 1 of 1,599,342 alleles (0.000063%); no homozygotes.

Submission:

Labcorp Genetics (formerly Invitae), Labcorp
Classification: Uncertain significance for Hereditary spastic paraplegia 53. Last evaluated: 2024-06-09. Review status: criteria provided, single submitter. Criteria: Invitae Variant Classification Sherloc (09022015). Collection method: clinical testing. Allele origin: germline.
Comment: This sequence change replaces aspartic acid, which is acidic and polar, with asparagine, which is neutral and polar, at codon 361 of the VPS37A protein (p.Asp361Asn). This variant is not present in population databases (gnomAD no frequency). This variant has not been reported in the literature in individuals affected with VPS37A-related conditions. Advanced modeling of protein sequence and biophysical properties (such as structural, functional, and spatial information, amino acid conservation, physicochemical variation, residue mobility, and thermodynamic stability) performed at Invitae indicates that this missense variant is not expected to disrupt VPS37A protein function with a negative predictive value of 80%. In summary, the available evidence is currently insufficient to determine the role of this variant in disease. Therefore, it has been classified as a Variant of Uncertain Significance.